The following is an entry in ClinVar:

NM_004818.3(DDX23):c.89G>T (p.Arg30Leu)

Gene: DDX23 (DEAD-box helicase 23; minus strand). Cytogenetic location: 12q13.12.
Variant type: single nucleotide variant.
Coding change: c.89G>T on transcript NM_004818.3 (MANE Select); coding-DNA position 89, G replaced by T.
Protein change: p.Arg30Leu; replaces arginine 30 with leucine.
Molecular consequence: missense variant.
Genome position (GRCh38, 1-based): chr12:48,845,694, C>A on the plus strand (G>T on the coding strand, the complement: DDX23 is on the minus strand). VCF-style: chr12-48845694-C-A. GRCh37 (hg19) VCF-style: chr12-49239477-C-A.
Other names: short protein forms R30L.
Identifiers: ClinVar variation 5041327 (VCV005041327.1).

ClinVar aggregate classification (germline): Uncertain significance (1 of 4 stars; one submission).

Submission:

CeGaT Center for Human Genetics Tuebingen
Classification: Uncertain significance. Last evaluated: 2026-09-01. Review status: criteria provided, single submitter. Criteria: CeGaT Center For Human Genetics Tuebingen Variant Classification Criteria Version 2. Collection method: clinical testing. Allele origin: germline. Affected: yes. Observed: 1 variant allele.
Comment: DDX23: PM2